The following is an entry in ClinVar:

NM_004444.5(EPHB4):c.1257C>T (p.Pro419=)

Gene: EPHB4 (EPH receptor B4; minus strand). Cytogenetic location: 7q22.1.
Variant type: single nucleotide variant.
Coding change: c.1257C>T on transcript NM_004444.5 (MANE Select); coding-DNA position 1257, C replaced by T.
Protein change: p.Pro419=; no amino-acid change (proline 419 retained).
Molecular consequence: synonymous variant.
Genome position (GRCh38, 1-based): chr7:100,819,597, G>A on the plus strand (C>T on the coding strand, the complement: EPHB4 is on the minus strand). VCF-style: chr7-100819597-G-A. GRCh37 (hg19) VCF-style: chr7-100417219-G-A.
Identifiers: ClinVar variation 1762064 (VCV001762064.4), dbSNP rs369885905, ClinGen allele CA4393062.

ClinVar aggregate classification (germline): Likely benign. Review status: criteria provided, single submitter (1 of 4 stars). 2 submissions from 2 submitters: Likely benign (1). 1 of the submissions does not count toward it. Last evaluated 2019-08-06.

Conditions:
EPHB4-related disorder. Also called: EPHB4-related disorders; EPHB4-related condition.
Cardiovascular phenotype. Identifiers: MedGen CN230736.

Allele frequency attached by ClinVar (database versions not stated): TOPMed 0.00010; gnomAD 0.00013; ExAC 0.00015; ESP Exome Variant Server 0.00015.
gnomAD v4.1: 323 of 1,590,120 alleles (0.02%); highest among the groups gnomAD compares: Middle Eastern, 0.13%; no homozygotes.

Submissions (2):

Ambry Genetics
Classification: Likely benign for Cardiovascular phenotype. Last evaluated: 2019-08-06. Review status: criteria provided, single submitter. Criteria: Ambry Variant Classification Scheme 2023. Collection method: clinical testing. Allele origin: germline.

PreventionGenetics, part of Exact Sciences
Classification: Likely benign for EPHB4-related condition. Last evaluated: 2019-04-08. Review status: no assertion criteria provided. Collection method: clinical testing. Allele origin: germline. Not counted in ClinVar's aggregate classification.
Comment: This variant is classified as likely benign based on ACMG/AMP sequence variant interpretation guidelines (Richards et al. 2015 PMID: 25741868, with internal and published modifications).